The following is an entry in ClinVar:

ClinVar aggregate classification (germline): Uncertain significance (1 of 4 stars; one submission).

Conditions:
Inborn genetic diseases. Identifiers: MedGen C0950123, MeSH D030342.

gnomAD v4.1: 20 of 1,612,564 alleles (0.0012%); highest among the groups gnomAD compares: East Asian, 0.027%; no homozygotes.

Submission:

Ambry Genetics
Classification: Uncertain significance for Inborn genetic diseases. Last evaluated: 2024-11-23. Review status: criteria provided, single submitter. Criteria: Ambry Variant Classification Scheme 2023. Collection method: clinical testing. Allele origin: germline.
Comment: The p.E25K variant (also known as c.73G>A), located in coding exon 1 of the SAMD9L gene, results from a G to A substitution at nucleotide position 73. The glutamic acid at codon 25 is replaced by lysine, an amino acid with similar properties. This amino acid position is conserved. In addition, this alteration is predicted to be tolerated by in silico analysis. Based on the available evidence, the clinical significance of this variant remains unclear.

NM_152703.5(SAMD9L):c.73G>A (p.Glu25Lys)

Gene: SAMD9L (sterile alpha motif domain containing 9 like; minus strand). Cytogenetic location: 7q21.2.
Variant type: single nucleotide variant.
Coding change: c.73G>A on transcript NM_152703.5 (MANE Select); coding-DNA position 73, G replaced by A.
Protein change: p.Glu25Lys; replaces glutamic acid 25 with lysine.
Molecular consequence: missense variant.
Genome position (GRCh38, 1-based): chr7:93,135,899, C>T on the plus strand (G>A on the coding strand, the complement: SAMD9L is on the minus strand). VCF-style: chr7-93135899-C-T. GRCh37 (hg19) VCF-style: chr7-92765212-C-T.
Other names: c.73G>A, p.Glu25Lys (NM_001303496.3, NM_001303497.3, NM_001303498.3 and 5 more transcripts); short protein forms E25K.
Identifiers: ClinVar variation 3437165 (VCV003437165.1).